The following is an entry in ClinVar:

ClinVar aggregate classification (germline): Pathogenic (1 of 4 stars; one submission).

Conditions:
Alagille syndrome due to a JAG1 point mutation. Also called: JAG1-Related Alagille Syndrome; HEPATIC DUCTULAR HYPOPLASIA, SYNDROMATIC; Alagille Syndrome 1. Identifiers: Orphanet 261619, Orphanet 52, MedGen C1956125, MONDO:0016862, OMIM 118450.

Submission:

Labcorp Genetics (formerly Invitae), Labcorp
Classification: Pathogenic for Alagille syndrome due to a JAG1 point mutation. Last evaluated: 2025-07-23. Review status: criteria provided, single submitter. Criteria: Invitae Variant Classification Sherloc (09022015). Collection method: clinical testing. Allele origin: germline.
Comment: This sequence change creates a premature translational stop signal (p.Ser15Lysfs*58) in the JAG1 gene. It is expected to result in an absent or disrupted protein product. Loss-of-function variants in JAG1 are known to be pathogenic (PMID: 11180599). This variant is not present in population databases (gnomAD no frequency). This variant has not been reported in the literature in individuals affected with JAG1-related conditions. For these reasons, this variant has been classified as Pathogenic.

Literature cited by the submitters: PubMed 11180599.

NM_000214.3(JAG1):c.41dup (p.Ser15fs)

Gene: JAG1 (jagged canonical Notch ligand 1; minus strand). Cytogenetic location: 20p12.2.
Variant type: Duplication.
Coding change: c.41dup on transcript NM_000214.3 (MANE Select); coding-DNA position 41, one base duplicated (T; older notation c.41dupT).
Protein change: p.Ser15fs; shifts the reading frame from serine 15.
Molecular consequence: frameshift variant.
Genome position (GRCh38, 1-based): chr20:10,673,490, A duplicated on the plus strand (T on the coding strand, the reverse complement: JAG1 is on the minus strand). VCF-style (leftmost placement, unchanged base first): chr20-10673489-T-TA. GRCh37 (hg19) VCF-style: chr20-10654137-T-TA.
Other names: short protein forms S15fs.
Identifiers: ClinVar variation 4723896 (VCV004723896.1).